The following is an entry in ClinVar:

NM_002691.4(POLD1):c.2549G>C (p.Arg850Pro)

Gene: POLD1 (DNA polymerase delta 1, catalytic subunit; plus strand). Cytogenetic location: 19q13.33.
Variant type: single nucleotide variant.
Coding change: c.2549G>C on transcript NM_002691.4 (MANE Select); coding-DNA position 2549, G replaced by C.
Protein change: p.Arg850Pro; replaces arginine 850 with proline.
Molecular consequence: missense variant. On other transcripts: non-coding transcript variant (1).
Genome position (GRCh38, 1-based): chr19:50,414,975, G>C. VCF-style: chr19-50414975-G-C. GRCh37 (hg19) VCF-style: chr19-50918232-G-C.
Other names: c.2549G>C, p.Arg850Pro (NM_001256849.1); c.2627G>C, p.Arg876Pro (NM_001308632.1); short protein forms R876P, R850P.
Identifiers: ClinVar variation 3657038 (VCV003657038.2).

ClinVar aggregate classification (germline): Uncertain significance (1 of 4 stars; one submission).

Conditions:
POLD1-related polyposis and colorectal cancer syndrome (CRCS10). Also called: Colorectal cancer 10; COLORECTAL CANCER, SUSCEPTIBILITY TO, ON CHROMOSOME 19q; Colorectal cancer, susceptibility to, 10. Identifiers: Orphanet 220460, MedGen C2675481, MONDO:0012953, OMIM 612591.

gnomAD v4.1: 1 of 1,586,870 alleles (0.000063%); no homozygotes.

Submission:

Labcorp Genetics (formerly Invitae), Labcorp
Classification: Uncertain significance for POLD1-related polyposis and colorectal cancer syndrome. Last evaluated: 2024-06-19. Review status: criteria provided, single submitter. Criteria: Invitae Variant Classification Sherloc (09022015). Collection method: clinical testing. Allele origin: germline.
Comment: This sequence change replaces arginine, which is basic and polar, with proline, which is neutral and non-polar, at codon 850 of the POLD1 protein (p.Arg850Pro). This variant is not present in population databases (gnomAD no frequency). This variant has not been reported in the literature in individuals affected with POLD1-related conditions. Advanced modeling of protein sequence and biophysical properties (such as structural, functional, and spatial information, amino acid conservation, physicochemical variation, residue mobility, and thermodynamic stability) performed at Invitae indicates that this missense variant is not expected to disrupt POLD1 protein function with a negative predictive value of 80%. In summary, the available evidence is currently insufficient to determine the role of this variant in disease. Therefore, it has been classified as a Variant of Uncertain Significance.